The following is an entry in ClinVar:

ClinVar aggregate classification (germline): Uncertain significance. Review status: criteria provided, multiple submitters, no conflicts (2 of 4 stars). 3 submissions from 3 submitters: Uncertain significance (2). 1 of the submissions does not count toward it. Last evaluated 2025-05-08.

Conditions:
Dyskeratosis congenita. Identifiers: Orphanet 1775, MedGen C0265965, MONDO:0015780.
CTC1-related disorder. Also called: CTC1-related condition.

Allele frequency attached by ClinVar (database versions not stated): TOPMed below 0.00001; gnomAD 0.00002; gnomAD exomes 0.00002.

Submissions (3):

Women's Health and Genetics/Laboratory Corporation of America, LabCorp
Classification: Uncertain significance. Last evaluated: 2025-05-08. Review status: criteria provided, single submitter. Criteria: LabCorp Variant Classification Summary - May 2015. Collection method: clinical testing. Allele origin: germline.
Comment: Variant summary: CTC1 c.2060+5G>A alters a non-conserved nucleotide located close to a canonical splice site and therefore could affect mRNA splicing, leading to a significantly altered protein sequence. Several computational tools predict a significant impact on normal splicing: One predict the variant abolishes a 5' splicing donor site. Two predict the variant weakens a 5' donor site. However, these predictions have yet to be confirmed by functional studies. The variant was absent in 248290 control chromosomes. The available data on variant occurrences in the general population are insufficient to allow any conclusion about variant significance. To our knowledge, no occurrence of c.2060+5G>A in individuals affected with Cerebroretinal Microangiopathy With Calcifications And Cysts 1 and no experimental evidence demonstrating its impact on protein function have been reported. ClinVar contains an entry for this variant (Variation ID: 2767345). Based on the evidence outlined above, the variant was classified as uncertain significance.

Labcorp Genetics (formerly Invitae), Labcorp
Classification: Uncertain significance for Dyskeratosis congenita. Last evaluated: 2025-03-13. Review status: criteria provided, single submitter. Criteria: Invitae Variant Classification Sherloc (09022015). Collection method: clinical testing. Allele origin: germline.
Comment: This sequence change falls in intron 12 of the CTC1 gene. It does not directly change the encoded amino acid sequence of the CTC1 protein. It affects a nucleotide within the consensus splice site. This variant is present in population databases (no rsID available, gnomAD 0.01%). This variant has not been reported in the literature in individuals affected with CTC1-related conditions. ClinVar contains an entry for this variant (Variation ID: 2767345). Variants that disrupt the consensus splice site are a relatively common cause of aberrant splicing (PMID: 17576681, 9536098). Algorithms developed to predict the effect of sequence changes on RNA splicing suggest that this variant may disrupt the consensus splice site. In summary, the available evidence is currently insufficient to determine the role of this variant in disease. Therefore, it has been classified as a Variant of Uncertain Significance.

PreventionGenetics, part of Exact Sciences
Classification: Uncertain significance for CTC1-related condition. Last evaluated: 2024-04-02. Review status: no assertion criteria provided. Collection method: clinical testing. Allele origin: germline. Not counted in ClinVar's aggregate classification.
Comment: The CTC1 c.2060+5G>A variant is predicted to interfere with splicing. This variant is predicted to alter splicing based on available splicing prediction programs (Alamut Visual plus v1.6.1). However, such computer prediction programs are imperfect. To our knowledge, this variant has not been reported in the literature. This variant is reported in 0.011% of alleles in individuals of African descent in gnomAD. At this time, the clinical significance of this variant is uncertain due to the absence of conclusive functional and genetic evidence.

Literature cited by the submitters: PubMed 17576681 (cited by Labcorp Genetics (formerly Invitae), Labcorp); PubMed 9536098 (cited by Labcorp Genetics (formerly Invitae), Labcorp).

NM_025099.6(CTC1):c.2060+5G>A

Gene: CTC1 (CST telomere replication complex component 1; minus strand). Cytogenetic location: 17p13.1.
Variant type: single nucleotide variant.
Coding change: c.2060+5G>A on transcript NM_025099.6 (MANE Select); 5 bases into the intron after coding-DNA position 2060, G replaced by A.
Molecular consequence: intron variant.
Genome position (GRCh38, 1-based): chr17:8,232,356, C>T on the plus strand (G>A on the coding strand, the complement: CTC1 is on the minus strand). VCF-style: chr17-8232356-C-T. GRCh37 (hg19) VCF-style: chr17-8135674-C-T.
Other names: c.2060+5G>A (NM_001411067.1, NM_025099.5).
Identifiers: ClinVar variation 2767345 (VCV002767345.5), dbSNP rs1405838436, ClinGen allele CA624731454.